The following is an entry in ClinVar:

NM_001457.4(FLNB):c.1378C>T (p.Arg460Ter)

Gene: FLNB (filamin B; plus strand). Cytogenetic location: 3p14.3.
Variant type: single nucleotide variant.
Coding change: c.1378C>T on transcript NM_001457.4 (MANE Select); coding-DNA position 1378, C replaced by T.
Protein change: p.Arg460Ter; replaces arginine 460 with a stop codon.
Molecular consequence: nonsense.
Genome position (GRCh38, 1-based): chr3:58,102,235, C>T. VCF-style: chr3-58102235-C-T. GRCh37 (hg19) VCF-style: chr3-58087962-C-T.
Other names: c.1378C>T, p.Arg460Ter (NM_001164317.2, NM_001164318.2, NM_001164319.2); short protein forms R460*.
Identifiers: ClinVar variation 4700756 (VCV004700756.1).
Genomic context (GRCh38, chr3:58,102,235, plus strand): 5'-TGAATTGATGTCAAAACTGTGCTTGCAGCCTGCAATCCAAATGCCTGCCGGGCCAGTGGC[C>T]GAGGCCTACAACCCAAAGGCGTCCGTATCCGGGAGACCACAGATTTCAAGGTTGACACCA-3'

ClinVar aggregate classification (germline): Pathogenic (1 of 4 stars; one submission).

gnomAD v4.1: 8 of 1,614,180 alleles (0.0005%); highest among the groups gnomAD compares: Admixed American, 0.0017%; no homozygotes.

Submission:

Labcorp Genetics (formerly Invitae), Labcorp
Classification: Pathogenic. Last evaluated: 2025-02-17. Review status: criteria provided, single submitter. Criteria: Invitae Variant Classification Sherloc (09022015). Collection method: clinical testing. Allele origin: germline.
Comment: This sequence change creates a premature translational stop signal (p.Arg460*) in the FLNB gene. It is expected to result in an absent or disrupted protein product. Loss-of-function variants in FLNB are known to be pathogenic (PMID: 14991055). This variant is present in population databases (no rsID available, gnomAD 0.003%). This variant has not been reported in the literature in individuals affected with FLNB-related conditions. Algorithms developed to predict the effect of sequence changes on RNA splicing suggest that this variant may disrupt the consensus splice site. For these reasons, this variant has been classified as Pathogenic.

Literature cited by the submitters: PubMed 14991055.